The following is an entry in ClinVar:

NM_023036.6(DNAI2):c.663G>A (p.Thr221=)

Gene: DNAI2 (dynein axonemal intermediate chain 2; plus strand). Cytogenetic location: 17q25.1.
Variant type: single nucleotide variant.
Coding change: c.663G>A on transcript NM_023036.6 (MANE Select); coding-DNA position 663, G replaced by A.
Protein change: p.Thr221=; no amino-acid change (threonine 221 retained).
Molecular consequence: synonymous variant. On other transcripts: non-coding transcript variant (1).
Genome position (GRCh38, 1-based): chr17:74,291,072, G>A. VCF-style: chr17-74291072-G-A. GRCh37 (hg19) VCF-style: chr17-72287211-G-A.
Other names: c.663G>A (NM_023036.4); c.663G>A, p.Thr221= (NM_001172810.3, NM_001353167.2).
Identifiers: ClinVar variation 991129 (VCV000991129.16), dbSNP rs368232107, ClinGen allele CA8745443.

ClinVar aggregate classification (germline): Likely benign. Review status: criteria provided, multiple submitters, no conflicts (2 of 4 stars). 5 submissions from 5 submitters: Likely benign (4). 1 of the submissions does not count toward it. Last evaluated 2026-01-01.

Conditions:
Primary ciliary dyskinesia. Also called: Ciliary dyskinesia. Identifiers: Orphanet 244, MedGen C0008780, MONDO:0016575, HP:0012265.

Allele frequency attached by ClinVar (database versions not stated): gnomAD exomes 0.00001 and 0.00002; ExAC 0.00003; TOPMed 0.00003; gnomAD 0.00004.
gnomAD v4.1: 27 of 1,614,204 alleles (0.0017%); highest among the groups gnomAD compares: African/African-American, 0.011%; no homozygotes.

Submissions (5):

CeGaT Center for Human Genetics Tuebingen
Classification: Likely benign. Last evaluated: 2026-01-01. Review status: criteria provided, single submitter. Criteria: CeGaT Center For Human Genetics Tuebingen Variant Classification Criteria Version 2. Collection method: clinical testing. Allele origin: germline. Affected: yes. Observed: 1 variant allele.
Comment: DNAI2: BP4, BP7

Labcorp Genetics (formerly Invitae), Labcorp
Classification: Likely benign for Primary ciliary dyskinesia. Last evaluated: 2025-05-27. Review status: criteria provided, single submitter. Criteria: Invitae Variant Classification Sherloc (09022015). Collection method: clinical testing. Allele origin: germline.

Ambry Genetics
Classification: Likely benign for Primary ciliary dyskinesia. Last evaluated: 2023-12-25. Review status: criteria provided, single submitter. Criteria: Ambry Variant Classification Scheme 2023. Collection method: clinical testing. Allele origin: germline.

Blueprint Genetics
Classification: Likely benign. Last evaluated: 2021-02-16. Review status: criteria provided, single submitter. Criteria: ACMG Guidelines, 2015. Collection method: clinical testing. Allele origin: germline.

Natera, Inc.
Classification: Uncertain significance for Primary ciliary dyskinesia. Last evaluated: 2020-08-13. Review status: no assertion criteria provided. Collection method: clinical testing. Allele origin: germline. Not counted in ClinVar's aggregate classification.